The following is an entry in ClinVar:

NM_000512.5(GALNS):c.916T>G (p.Phe306Val)

Gene: GALNS (galactosamine (N-acetyl)-6-sulfatase; minus strand). Cytogenetic location: 16q24.3.
Variant type: single nucleotide variant.
Coding change: c.916T>G on transcript NM_000512.5 (MANE Select); coding-DNA position 916, T replaced by G.
Protein change: p.Phe306Val; replaces phenylalanine 306 with valine.
Molecular consequence: missense variant.
Genome position (GRCh38, 1-based): chr16:88,832,084, A>C on the plus strand (T>G on the coding strand, the complement: GALNS is on the minus strand). VCF-style: chr16-88832084-A-C. GRCh37 (hg19) VCF-style: chr16-88898492-A-C.
Other names: c.361T>G, p.Phe121Val (NM_001323543.2); c.934T>G, p.Phe312Val (NM_001323544.2); c.916T>G (NM_000512.4); short protein forms F121V, F306V, F312V.
Identifiers: ClinVar variation 1048212 (VCV001048212.41), dbSNP rs2142999207, ClinGen allele CA397101447.

ClinVar aggregate classification (germline): Conflicting classifications of pathogenicity. Review status: criteria provided, conflicting classifications (1 of 4 stars). 4 submissions from 4 submitters: Likely pathogenic (2); Uncertain significance (2). Last evaluated 2022-04-12.

Conditions:
Morquio syndrome. Also called: Eccentrochondrodysplasia; Mucopolysaccharidosis, Type IV; MPS IV; Mucopolysaccharidosis type 4. Identifiers: Orphanet 582, MedGen C0026707, MONDO:0018938.
Mucopolysaccharidosis, MPS-IV-A (MPS4A). Also called: mucopolysaccharidosis type 4A; GALACTOSAMINE-6-SULFATASE DEFICIENCY; GALNS DEFICIENCY; MPS IVA; Mucopolysaccharidosis type IV A; MORQUIO SYNDROME A. Identifiers: Orphanet 309297, Orphanet 582, MedGen C0086651, MONDO:0009659, OMIM 253000.

Submissions (4):

Women's Health and Genetics/Laboratory Corporation of America, LabCorp
Classification: Likely pathogenic for Morquio syndrome. Last evaluated: 2022-04-12. Review status: criteria provided, single submitter. Criteria: LabCorp Variant Classification Summary - May 2015. Collection method: clinical testing. Allele origin: germline.
Comment: Variant summary: GALNS c.916T>G (p.Phe306Val) results in a non-conservative amino acid change in the encoded protein sequence. Five of five in-silico tools predict a damaging effect of the variant on protein function. The variant was absent in 250336 control chromosomes. c.916T>G has been reported in the literature as a VUS detected in a homozygous genotype in two subjects out of a cohort of 1190 subjects that included newborn screening positive and diagnostic individuals (Zanetti_2021). These data indicate that the variant is likely to be associated with disease. One publication reports experimental evidence evaluating an impact on protein function reporting a null enzyme activity, however, as the source of the tissue, namely dried blood spots, leukocytes or fibroblasts is not specified, we are unable to corroborate these findings as a primary source for an enzyme assay confirmed diagnosis of Mucopolysaccharidosis Type IVA (Morquio Syndrome A) in the literature (Zanetti_2021). Three clinical diagnostic laboratories have submitted clinical-significance assessments for this variant to ClinVar after 2014 without evidence for independent evaluation (Likely pathogenic, n=1; VUS, n=2). Based on the evidence outlined above, the variant was classified as likely pathogenic.

Genome-Nilou Lab
Classification: Uncertain significance for Mucopolysaccharidosis, MPS-IV-A. Last evaluated: 2021-11-07. Review status: criteria provided, single submitter. Criteria: ACMG Guidelines, 2015. Collection method: clinical testing. Allele origin: germline. Affected: no.

CeGaT Center for Human Genetics Tuebingen
Classification: Likely pathogenic. Last evaluated: 2021-05-01. Review status: criteria provided, single submitter. Criteria: CeGaT Center For Human Genetics Tuebingen Variant Classification Criteria Version 2. Collection method: clinical testing. Allele origin: germline. Affected: yes. Observed: 1 variant allele.

Laboratory of Diagnosis and Therapy of Lysosomal Disorders, University of Padova
Classification: Uncertain significance for Mucopolysaccharidosis, MPS-IV-A. Last evaluated: 2021-02-01. Review status: criteria provided, single submitter. Criteria: ACMG Guidelines, 2015. Collection method: research. Allele origin: germline. Affected: yes.
Comment: In vivo functional studies supportive of a damaging effect on the gene product (low to null enzymatic activity in homozygotes; PS3_supporting); absent from gnomAD v2.1.1 (PM2_moderate); multiple lines of computational evidence support a deleterious effect on the gene (PP3_supporting)

Literature cited by the submitters: PubMed 34387910 (cited by Women's Health and Genetics/Laboratory Corporation of America, LabCorp and Laboratory of Diagnosis and Therapy of Lysosomal Disorders, University of Padova).